The following is an entry in ClinVar:

NM_000094.4(COL7A1):c.6026G>A (p.Gly2009Glu)

Gene: COL7A1 (collagen type VII alpha 1 chain; minus strand). Cytogenetic location: 3p21.31.
Variant type: single nucleotide variant.
Coding change: c.6026G>A on transcript NM_000094.4 (MANE Select); coding-DNA position 6026, G replaced by A.
Protein change: p.Gly2009Glu; replaces glycine 2009 with glutamic acid.
Molecular consequence: missense variant.
Genome position (GRCh38, 1-based): chr3:48,575,493, C>T on the plus strand (G>A on the coding strand, the complement: COL7A1 is on the minus strand). VCF-style: chr3-48575493-C-T. GRCh37 (hg19) VCF-style: chr3-48612926-C-T.
Other names: short protein forms G2009E.
Identifiers: ClinVar variation 800761 (VCV000800761.7), dbSNP rs1342925232, ClinGen allele CA352663771.

ClinVar aggregate classification (germline): Pathogenic/Likely pathogenic. Review status: criteria provided, multiple submitters, no conflicts (2 of 4 stars). 5 submissions from 5 submitters: Pathogenic (1); Likely pathogenic (3). 1 of the submissions does not count toward it. Last evaluated 2025-01-12.

Conditions:
Transient bullous dermolysis of the newborn (TBDN). Also called: DYSTROPHIC EPIDERMOLYSIS BULLOSA, NEONATAL; EPIDERMOLYSIS BULLOSA DYSTROPHICA, NEONATAL FORM. Identifiers: Orphanet 79411, MedGen C1851573, MONDO:0007548, OMIM 131705.
Generalized dominant dystrophic epidermolysis bullosa (DDEB). Also called: DDEB, generalized; DDEB-gen; DYSTROPHIC EPIDERMOLYSIS BULLOSA, AUTOSOMAL DOMINANT; Epidermolysis bullosa dystrophica, autosomal dominant; Dominant DEB (DDEB). Identifiers: Orphanet 231568, MedGen C0432322, MONDO:0007549, OMIM 131750.
Pretibial dystrophic epidermolysis bullosa. Also called: Pretibial epidermolysis bullosa; Pretibial blistering; EPIDERMOLYSIS BULLOSA DYSTROPHICA, PRETIBIAL. Identifiers: Orphanet 79410, MedGen C0432321, MONDO:0007552, OMIM 131850, HP:0012221.
Dominant dystrophic epidermolysis bullosa with absence of skin. Also called: EPIDERMOLYSIS BULLOSA DYSTROPHICA, BART TYPE; EPIDERMOLYSIS BULLOSA WITH CONGENITAL LOCALIZED ABSENCE OF SKIN AND DEFORMITY OF NAILS. Identifiers: MedGen C0268371, MONDO:0007557, OMIM 132000.
Recessive dystrophic epidermolysis bullosa (RDEB). Also called: EPIDERMOLYSIS BULLOSA DYSTROPHICA, GENERALIZED SEVERE, AUTOSOMAL RECESSIVE; Hallopeau-Siemens Disease; DYSTROPHIC EPIDERMOLYSIS BULLOSA, AUTOSOMAL RECESSIVE; EPIDERMOLYSIS BULLOSA DYSTROPHICA, HALLOPEAU-SIEMENS TYPE; severe generalized recessive dystrophic epidermolysis bullosa; Epidermolysis Bullosa Distrophica Autosomal Recessive (RDEB). Identifiers: Orphanet 79408, Orphanet 79409, MedGen C0079474, MONDO:0009179, OMIM 226600.
Epidermolysis bullosa pruriginosa. Also called: DEB, PRURIGINOSA; DYSTROPHIC EPIDERMOLYSIS BULLOSA PRURIGINOSA. Identifiers: Orphanet 89843, MedGen C1275114, MONDO:0011398, OMIM 604129.
Nonsyndromic congenital nail disorder 8. Also called: TOENAIL DYSTROPHY, ISOLATED. Identifiers: MedGen C1843761, MONDO:0011852, OMIM 607523.
COL7A1-related disorder. Also called: COL7A1-related condition; COL7A1- related disorders.

Allele frequency attached by ClinVar (database versions not stated): gnomAD exomes below 0.00001.
gnomAD v4.1: 1 of 1,612,408 alleles (0.000062%); no homozygotes.

Submissions (5):

Labcorp Genetics (formerly Invitae), Labcorp
Classification: Pathogenic. Last evaluated: 2025-01-12. Review status: criteria provided, single submitter. Criteria: Invitae Variant Classification Sherloc (09022015). Collection method: clinical testing. Allele origin: germline.
Comment: This sequence change replaces glycine, which is neutral and non-polar, with glutamic acid, which is acidic and polar, at codon 2009 of the COL7A1 protein (p.Gly2009Glu). This variant is present in population databases (no rsID available, gnomAD 0.005%). This missense change has been observed in individual(s) with epidermolysis bullosa (internal data). ClinVar contains an entry for this variant (Variation ID: 800761). Invitae Evidence Modeling of protein sequence and biophysical properties (such as structural, functional, and spatial information, amino acid conservation, physicochemical variation, residue mobility, and thermodynamic stability) indicates that this missense variant is expected to disrupt COL7A1 protein function with a positive predictive value of 95%. This variant disrupts the triple helix domain of COL7A1. Glycine residues within the Gly-Xaa-Yaa repeats of the triple helix domain are required for the structure and stability of fibrillar collagens (PMID: 7695699, 8218237, 19344236), and variants at these glycine residues in COL7A1 are more frequently observed in individuals with disease than in the general population (PMID: 22058051). However, the clinical significance of this observation remains uncertain since only a limited number of affected individuals have been described to date. This variant disrupts the p.Gly2009 amino acid residue in COL7A1. Other variant(s) that disrupt this residue have been determined to be pathogenic (PMID: 9215684, 10084325; internal data). This suggests that this residue is clinically significant, and that variants that disrupt this residue are likely to be disease-causing. For these reasons, this variant has been classified as Pathogenic.

Fulgent Genetics
Classification: Likely pathogenic for Transient bullous dermolysis of the newborn; Generalized dominant dystrophic epidermolysis bullosa; Pretibial dystrophic epidermolysis bullosa; Dominant dystrophic epidermolysis bullosa with absence of skin; Recessive dystrophic epidermolysis bullosa; Epidermolysis bullosa pruriginosa; Nonsyndromic congenital nail disorder 8. Last evaluated: 2024-02-20. Review status: criteria provided, single submitter. Criteria: ACMG Guidelines, 2015. Collection method: clinical testing. Allele origin: germline.

MGZ Medical Genetics Center
Classification: Likely pathogenic for Generalized dominant dystrophic epidermolysis bullosa. Last evaluated: 2022-07-11. Review status: criteria provided, single submitter. Criteria: ACMG Guidelines, 2015. Collection method: clinical testing. Allele origin: germline. Affected: yes. Observed: 2 variant alleles.
Comment: ACMG criteria applied: PM1, PM5, PM2_SUP, PP3

Blueprint Genetics
Classification: Likely pathogenic for COL7A1-related disorders. Last evaluated: 2022-04-08. Review status: criteria provided, single submitter. Criteria: ACMG Guidelines, 2015. Collection method: clinical testing. Allele origin: germline. Affected: yes. Observed: 2 variant alleles.

Biochemical Molecular Genetic Laboratory, King Abdulaziz Medical City
Classification: Likely pathogenic for COL7A1-related disorders. Last evaluated: 2019-01-29. Review status: no assertion criteria provided. Collection method: clinical testing. Allele origin: germline. Affected: yes. Not counted in ClinVar's aggregate classification.

Literature cited by the submitters: PubMed 7695699 (cited by Labcorp Genetics (formerly Invitae), Labcorp); PubMed 8218237 (cited by Labcorp Genetics (formerly Invitae), Labcorp); PubMed 19344236 (cited by Labcorp Genetics (formerly Invitae), Labcorp); PubMed 22058051 (cited by Labcorp Genetics (formerly Invitae), Labcorp); PubMed 9215684 (cited by Labcorp Genetics (formerly Invitae), Labcorp); PubMed 10084325 (cited by Labcorp Genetics (formerly Invitae), Labcorp).